The following is an entry in ClinVar:

ClinVar aggregate classification (germline): Uncertain significance. Review status: criteria provided, multiple submitters, no conflicts (2 of 4 stars). 2 submissions from 2 submitters: Uncertain significance (2). Last evaluated 2026-06-01.

Submissions (2):

CeGaT Center for Human Genetics Tuebingen
Classification: Uncertain significance. Last evaluated: 2026-06-01. Review status: criteria provided, single submitter. Criteria: CeGaT Center For Human Genetics Tuebingen Variant Classification Criteria Version 2. Collection method: clinical testing. Allele origin: germline. Affected: yes. Observed: 1 variant allele.
Comment: MARS2: PM2

Labcorp Genetics (formerly Invitae), Labcorp
Classification: Uncertain significance. Last evaluated: 2025-09-09. Review status: criteria provided, single submitter. Criteria: Invitae Variant Classification Sherloc (09022015). Collection method: clinical testing. Allele origin: germline.
Comment: This sequence change replaces threonine, which is neutral and polar, with methionine, which is neutral and non-polar, at codon 139 of the MARS2 protein (p.Thr139Met). This variant is present in population databases (no rsID available, gnomAD 0.0008%). This variant has not been reported in the literature in individuals affected with MARS2-related conditions. Invitae Evidence Modeling of protein sequence and biophysical properties (such as structural, functional, and spatial information, amino acid conservation, physicochemical variation, residue mobility, and thermodynamic stability) indicates that this missense variant is expected to disrupt MARS2 protein function with a positive predictive value of 80%. In summary, the available evidence is currently insufficient to determine the role of this variant in disease. Therefore, it has been classified as a Variant of Uncertain Significance.

NM_138395.4(MARS2):c.416C>T (p.Thr139Met)

Gene: MARS2 (methionyl-tRNA synthetase 2, mitochondrial; plus strand). Cytogenetic location: 2q33.1.
Variant type: single nucleotide variant.
Coding change: c.416C>T on transcript NM_138395.4 (MANE Select); coding-DNA position 416, C replaced by T.
Protein change: p.Thr139Met; replaces threonine 139 with methionine.
Molecular consequence: missense variant.
Genome position (GRCh38, 1-based): chr2:197,705,821, C>T. VCF-style: chr2-197705821-C-T. GRCh37 (hg19) VCF-style: chr2-198570545-C-T.
Other names: short protein forms T139M.
Identifiers: ClinVar variation 4695572 (VCV004695572.3).